The following is an entry in ClinVar:

NM_001042492.3(NF1):c.2251+2T>C

Gene: NF1 (neurofibromin 1; plus strand). Cytogenetic location: 17q11.2.
Variant type: single nucleotide variant.
Coding change: c.2251+2T>C on transcript NM_001042492.3 (MANE Select); the canonical splice donor site of the intron after coding-DNA position 2251, T replaced by C.
Molecular consequence: splice donor variant.
Genome position (GRCh38, 1-based): chr17:31,226,686, T>C. VCF-style: chr17-31226686-T-C. GRCh37 (hg19) VCF-style: chr17-29553704-T-C.
Other names: c.2251+2T>C (NM_000267.4).
Identifiers: ClinVar variation 2921216 (VCV002921216.1), dbSNP rs864622142, ClinGen allele CA398982603.

ClinVar aggregate classification (germline): Pathogenic (1 of 4 stars; one submission).

Submission:

ARUP Laboratories, Molecular Genetics and Genomics, ARUP Laboratories
Classification: Pathogenic. Last evaluated: 2023-09-12. Review status: criteria provided, single submitter. Criteria: ARUP Molecular Germline Variant Investigation Process 2024. Collection method: clinical testing. Allele origin: germline.
Comment: The NF1 c.2251+2T>C variant, also published as IVS13+2T>C, is reported in the literature in several individuals affected with neurofibromatosis type 1 (Pros 2008, Serra 2001). This variant is absent from general population databases (Exome Variant Server, Genome Aggregation Database), indicating it is not a common polymorphism. This variant disrupts the canonical splice donor site of intron 18 (also published as intron 13), which is likely to negatively impact gene function. Indeed, cDNA analysis in patient fibroblasts suggests this variants results in exon skipping and a frameshift (Pros 2008). Based on available information, this variant is considered to be pathogenic. References: Pros E et al. Nature and mRNA effect of 282 different NF1 point mutations: focus on splicing alterations. Hum Mutat. 2008 Sep;29(9):E173-93. PMID: 18546366. Serra E et al. Somatic NF1 mutational spectrum in benign neurofibromas: mRNA splice defects are common among point mutations. Hum Genet. 2001 May;108(5):416-29. PMID: 11409870.